The following is an entry in ClinVar:

ClinVar aggregate classification (germline): Pathogenic (1 of 4 stars; one submission).

Conditions:
Hereditary cancer-predisposing syndrome. Also called: Neoplastic Syndromes, Hereditary; Hereditary Cancer Syndrome; Hereditary neoplastic syndrome; Tumor predisposition. Identifiers: Orphanet 140162, MedGen C0027672, MeSH D009386, MONDO:0015356.

Submission:

Ambry Genetics
Classification: Pathogenic for Hereditary cancer-predisposing syndrome. Last evaluated: 2023-05-18. Review status: criteria provided, single submitter. Criteria: Ambry Variant Classification Scheme 2023. Collection method: clinical testing. Allele origin: germline.
Comment: The c.612dupT pathogenic mutation, located in coding exon 6 of the BRCA2 gene, results from a duplication of T at nucleotide position 612, causing a translational frameshift with a predicted alternate stop codon (p.S205*). This variant is considered to be rare based on population cohorts in the Genome Aggregation Database (gnomAD). This alteration is expected to result in loss of function by premature protein truncation or nonsense-mediated mRNA decay. As such, this alteration is interpreted as a disease-causing mutation.

NM_000059.4(BRCA2):c.612dup (p.Ser205Ter)

Gene: BRCA2 (BRCA2 DNA repair associated; plus strand). Cytogenetic location: 13q13.1.
Variant type: Duplication.
Coding change: c.612dup on transcript NM_000059.4 (MANE Select); coding-DNA position 612, one base duplicated (T; older notation c.612dupT).
Protein change: p.Ser205Ter; replaces serine 205 with a stop codon.
Molecular consequence: nonsense. On other transcripts: non-coding transcript variant (1), frameshift variant (1).
Genome position (GRCh38, 1-based): chr13:32,326,594, T duplicated; the last of 2 consecutive T bases (chr13:32,326,593-32,326,594); duplicating either gives the same sequence. VCF-style (leftmost placement, unchanged base first): chr13-32326592-C-CT. GRCh37 (hg19) VCF-style: chr13-32900729-C-CT.
Other names: c.612dup, p.Ser205Ter (NM_001406719.1, NM_001406720.1, NM_001406721.1); c.243dup, p.Ser82Ter (NM_001406722.1); c.612dupT (NM_000059.3); short protein forms S82*, S205*.
Identifiers: ClinVar variation 2566016 (VCV002566016.2), dbSNP rs2548515803, ClinGen allele CA2580614644.
Genomic context (GRCh38, chr13:32,326,592, plus strand): 5'-CTAGGAGCTGAGGTGGATCCTGATATGTCTTGGTCAAGTTCTTTAGCTACACCACCCACC[C>CT]TTAGTTCTACTGTGCTCATAGGTAATAATAGCAAATGTGTATTTACAAGAAAGAGCAGAT-3'